The following is an entry in ClinVar:

NM_015047.3(EMC1):c.219C>G (p.Ile73Met)

Gene: EMC1 (ER membrane protein complex subunit 1; minus strand). Cytogenetic location: 1p36.13.
Variant type: single nucleotide variant.
Coding change: c.219C>G on transcript NM_015047.3 (MANE Select); coding-DNA position 219, C replaced by G.
Protein change: p.Ile73Met; replaces isoleucine 73 with methionine.
Molecular consequence: missense variant.
Genome position (GRCh38, 1-based): chr1:19,244,907, G>C on the plus strand (C>G on the coding strand, the complement: EMC1 is on the minus strand). VCF-style: chr1-19244907-G-C. GRCh37 (hg19) VCF-style: chr1-19571401-G-C.
Other names: c.219C>G, p.Ile73Met (NM_001271427.2, NM_001271428.2, NM_001271429.2 and 2 more transcripts); short protein forms I73M.
Identifiers: ClinVar variation 1436436 (VCV001436436.8), dbSNP rs888960451, ClinGen allele CA18824354.
Genomic context (GRCh38, chr1:19,244,907, plus strand): 5'-GCAATGGTAAGTCTTTCATCCCTGAGGCAGCCAGTAGACACAGTTCTCAGTTCACTCACA[G>C]ATCTCCCCAGTTCGGGAATTTAATGCTGCAATCACATTCTTCTCTGTGGCTACAACCAAC-3'
Protein context (NP_055862.1, residues 63-83): IAALNSRTGE[Ile73Met]LWRHVDKGTA

ClinVar aggregate classification (germline): Uncertain significance (1 of 4 stars; one submission).

Allele frequency attached by ClinVar (database versions not stated): gnomAD exomes below 0.00001 and 0.00001.
gnomAD v4.1: 6 of 1,613,516 alleles (0.00037%); highest among the groups gnomAD compares: South Asian, 0.0044%; no homozygotes.

Submission:

Labcorp Genetics (formerly Invitae), Labcorp
Classification: Uncertain significance. Last evaluated: 2024-06-03. Review status: criteria provided, single submitter. Criteria: Invitae Variant Classification Sherloc (09022015). Collection method: clinical testing. Allele origin: germline.
Comment: This sequence change replaces isoleucine, which is neutral and non-polar, with methionine, which is neutral and non-polar, at codon 73 of the EMC1 protein (p.Ile73Met). This variant is present in population databases (no rsID available, gnomAD 0.006%). This variant has not been reported in the literature in individuals affected with EMC1-related conditions. ClinVar contains an entry for this variant (Variation ID: 1436436). An algorithm developed to predict the effect of missense changes on protein structure and function (PolyPhen-2) suggests that this variant is likely to be disruptive. In summary, the available evidence is currently insufficient to determine the role of this variant in disease. Therefore, it has been classified as a Variant of Uncertain Significance.